The following is an entry in ClinVar:

ClinVar aggregate classification (germline): Uncertain significance (1 of 4 stars; one submission).

Submission:

CeGaT Center for Human Genetics Tuebingen
Classification: Uncertain significance. Last evaluated: 2025-08-01. Review status: criteria provided, single submitter. Criteria: CeGaT Center For Human Genetics Tuebingen Variant Classification Criteria Version 2. Collection method: clinical testing. Allele origin: germline. Affected: yes. Observed: 1 variant allele.
Comment: GRIK2: PM2, BP4

NM_021956.5(GRIK2):c.2563-4382T>A

Gene: GRIK2 (glutamate ionotropic receptor kainate type subunit 2; plus strand). Cytogenetic location: 6q16.3.
Variant type: single nucleotide variant.
Coding change: c.2563-4382T>A on transcript NM_021956.5 (MANE Select); 4382 bases into the intron before coding-DNA position 2563, T replaced by A.
Molecular consequence: intron variant. On other transcripts: missense variant (1).
Genome position (GRCh38, 1-based): chr6:102,063,965, T>A. VCF-style: chr6-102063965-T-A. GRCh37 (hg19) VCF-style: chr6-102511840-T-A.
Other names: c.2566T>A, p.Ser856Thr (NM_175768.3); c.2563-1832T>A (NM_001166247.1); short protein forms S856T.
Identifiers: ClinVar variation 4085951 (VCV004085951.8).
Genomic context (GRCh38, chr6:102,063,965, plus strand): 5'-TAATTTAAATGCAATTATACATGCTAACAGCTCAAAGATTTAAATTTTCATTTTCAGGAA[T>A]CTTCTATTTGGTTAGTGCCACCATACCATCCAGACACTGTTTAGTAATCTTTTGAAACTT-3'